The following is an entry in ClinVar:

ClinVar aggregate classification (germline): Benign/Likely benign. Review status: criteria provided, multiple submitters, no conflicts (2 of 4 stars). 3 submissions from 3 submitters: Benign (1); Likely benign (2). Last evaluated 2026-07-28.

Conditions:
Hereditary cancer-predisposing syndrome. Also called: Neoplastic Syndromes, Hereditary; Tumor predisposition; Hereditary Cancer Syndrome; Hereditary neoplastic syndrome. Identifiers: Orphanet 140162, MedGen C0027672, MeSH D009386, MONDO:0015356.
Hereditary pheochromocytoma and paraganglioma. Also called: Hereditary paragangliomas and pheochromocytomas; Hereditary Paraganglioma-Pheochromocytoma Syndromes; Hereditary pheochromocytoma-paraganglioma. Identifiers: Orphanet 29072, MedGen C4274332, MONDO:0017366.

gnomAD v4.1: 31 of 1,499,290 alleles (0.0021%); highest among the groups gnomAD compares: Non-Finnish European, 0.00062%; no homozygotes.

Submissions (3):

Myriad Genetics, Inc.
Classification: Benign for Hereditary pheochromocytoma and paraganglioma. Last evaluated: 2026-07-28. Review status: criteria provided, single submitter. Criteria: Myriad Autosomal Dominant, Autosomal Recessive and X-Linked Classification Criteria (2023). Collection method: clinical testing. Allele origin: unknown.
Comment: This variant is considered benign. This variant is a silent/synonymous amino acid change and it is not expected to impact splicing.

Labcorp Genetics (formerly Invitae), Labcorp
Classification: Likely benign for Hereditary pheochromocytoma and paraganglioma. Last evaluated: 2022-07-23. Review status: criteria provided, single submitter. Criteria: Invitae Variant Classification Sherloc (09022015). Collection method: clinical testing. Allele origin: germline.

Ambry Genetics
Classification: Likely benign for Hereditary cancer-predisposing syndrome. Last evaluated: 2020-01-27. Review status: criteria provided, single submitter. Criteria: Ambry Variant Classification Scheme 2023. Collection method: clinical testing. Allele origin: germline.

NM_017849.4(TMEM127):c.30C>G (p.Pro10=)

Genes: TMEM127 (transmembrane protein 127; minus strand), LOC129934333 (ATAC-STARR-seq lymphoblastoid silent region 11759; plus strand). Cytogenetic location: 2q11.2.
Variant type: single nucleotide variant.
Coding change: c.30C>G on transcript NM_017849.4 (MANE Select); coding-DNA position 30, C replaced by G.
Protein change: p.Pro10=; no amino-acid change (proline 10 retained).
Molecular consequence: synonymous variant.
Genome position (GRCh38, 1-based): chr2:96,265,352, G>C on the plus strand (C>G on the coding strand, the complement: TMEM127 is on the minus strand). VCF-style: chr2-96265352-G-C. GRCh37 (hg19) VCF-style: chr2-96931090-G-C.
Other names: c.30C>G, p.Pro10= (NM_001193304.3).
Identifiers: ClinVar variation 1644233 (VCV001644233.11), dbSNP rs963234474, ClinGen allele CA427496501.